The following is an entry in ClinVar:

ClinVar aggregate classification (germline): Uncertain significance (1 of 4 stars; one submission).

Conditions:
Cardiovascular phenotype. Identifiers: MedGen CN230736.

Submission:

Ambry Genetics
Classification: Uncertain significance for Cardiovascular phenotype. Last evaluated: 2026-09-11. Review status: criteria provided, single submitter. Criteria: Ambry Variant Classification Scheme 2023. Collection method: clinical testing. Allele origin: germline.
Comment: The p.F1383C variant (also known as c.4148T>G), located in coding exon 25 of the APOB gene, results from a T to G substitution at nucleotide position 4148. The phenylalanine at codon 1383 is replaced by cysteine, an amino acid with highly dissimilar properties. This amino acid position is conserved. In addition, this alteration is predicted to be tolerated by in silico analysis. Based on the available evidence, the clinical significance of this variant remains unclear.

NM_000384.3(APOB):c.4148T>G (p.Phe1383Cys)

Gene: APOB (apolipoprotein B; minus strand). Cytogenetic location: 2p24.1.
Variant type: single nucleotide variant.
Coding change: c.4148T>G on transcript NM_000384.3 (MANE Select); coding-DNA position 4148, T replaced by G.
Protein change: p.Phe1383Cys; replaces phenylalanine 1383 with cysteine.
Molecular consequence: missense variant.
Genome position (GRCh38, 1-based): chr2:21,013,228, A>C on the plus strand (T>G on the coding strand, the complement: APOB is on the minus strand). VCF-style: chr2-21013228-A-C. GRCh37 (hg19) VCF-style: chr2-21236100-A-C.
Other names: short protein forms F1383C.
Identifiers: ClinVar variation 3127909 (VCV003127909.2), dbSNP rs2465380714, ClinGen allele CA346007519.